The following is an entry in ClinVar:

NM_212482.4(FN1):c.3442G>A (p.Glu1148Lys)

Gene: FN1 (fibronectin 1; minus strand). Cytogenetic location: 2q35.
Variant type: single nucleotide variant.
Coding change: c.3442G>A on transcript NM_212482.4 (MANE Select); coding-DNA position 3442, G replaced by A.
Protein change: p.Glu1148Lys; replaces glutamic acid 1148 with lysine.
Molecular consequence: missense variant.
Genome position (GRCh38, 1-based): chr2:215,397,755, C>T on the plus strand (G>A on the coding strand, the complement: FN1 is on the minus strand). VCF-style: chr2-215397755-C-T. GRCh37 (hg19) VCF-style: chr2-216262478-C-T.
Other names: c.3442G>A, p.Glu1148Lys (NM_001306129.2, NM_001306130.2, NM_001306131.2 and 13 more transcripts); short protein forms E1148K.
Identifiers: ClinVar variation 2775821 (VCV002775821.3), dbSNP rs2469871721, ClinGen allele CA350487283.

ClinVar aggregate classification (germline): Uncertain significance (1 of 4 stars; one submission).

Submission:

Labcorp Genetics (formerly Invitae), Labcorp
Classification: Uncertain significance. Last evaluated: 2023-09-10. Review status: criteria provided, single submitter. Criteria: Invitae Variant Classification Sherloc (09022015). Collection method: clinical testing. Allele origin: germline.
Comment: This variant has not been reported in the literature in individuals affected with FN1-related conditions. Advanced modeling of protein sequence and biophysical properties (such as structural, functional, and spatial information, amino acid conservation, physicochemical variation, residue mobility, and thermodynamic stability) has been performed at Invitae for this missense variant, however the output from this modeling did not meet the statistical confidence thresholds required to predict the impact of this variant on FN1 protein function. In summary, the available evidence is currently insufficient to determine the role of this variant in disease. Therefore, it has been classified as a Variant of Uncertain Significance. This variant is not present in population databases (gnomAD no frequency). This sequence change replaces glutamic acid, which is acidic and polar, with lysine, which is basic and polar, at codon 1148 of the FN1 protein (p.Glu1148Lys).